The following is an entry in ClinVar:

NM_000157.4(GBA1):c.1265_1319del (p.Leu422fs)

Genes: GBA1 (glucosylceramidase beta 1; minus strand), LOC106627981 (GBA recombination region; plus strand). Cytogenetic location: 1q22.
Variant type: Deletion.
Coding change: c.1265_1319del on transcript NM_000157.4 (MANE Select); coding-DNA positions 1265 to 1319, 55 bases deleted.
Protein change: p.Leu422fs; shifts the reading frame from leucine 422.
Molecular consequence: frameshift variant.
Genome position (GRCh38, 1-based): chr1:155,235,750-155,235,804, 55 bases deleted. GRCh37 (hg19): chr1:155,205,543-155,205,597.
Other names: c.1265_1319del, p.Leu422fs (NM_001005741.3, NM_001005742.3); c.1004_1058del, p.Leu335fs (NM_001171811.2); c.1118_1172del, p.Leu373fs (NM_001171812.2); short protein forms L335fs, L373fs, L422fs.
Identifiers: ClinVar variation 193611 (VCV000193611.26), dbSNP rs80356768, ClinGen allele CA253083.

ClinVar aggregate classification (germline): Pathogenic. Review status: criteria provided, multiple submitters, no conflicts (2 of 4 stars). 10 submissions from 9 submitters: Pathogenic (6). 4 of the submissions do not count toward it. Last evaluated 2025-12-15.

Conditions:
Parkinson disease, late-onset (PD). Also called: Hereditary late onset Parkinson disease; Susceptibility to Parkinson's Disease; PARKINSON DISEASE, LATE-ONSET, SUSCEPTIBILITY TO. Identifiers: Orphanet 411602, MedGen C3160718, MONDO:0008199, OMIM 168600.
Gaucher disease type I (GD1). Also called: Type 1 Gaucher Disease; GD 1; Gaucher's disease, type 1; GAUCHER DISEASE, NONCEREBRAL JUVENILE; GBA DEFICIENCY; GD I. Identifiers: Orphanet 355, Orphanet 77259, MedGen C1961835, MONDO:0009265, OMIM 230800.
Gaucher disease type II (GD2). Also called: Type 2 Gaucher disease (Acute; Infantile); Acute neuronopathic Gaucher's disease; GAUCHER DISEASE, ACUTE NEURONOPATHIC TYPE; GD II. Identifiers: Orphanet 77260, MedGen C0268250, MONDO:0009266, OMIM 230900.
Gaucher disease type III. Also called: Type 3 Gaucher disease (Subacute; Juvenile); Subacute neuronopathic Gaucher's disease; GAUCHER DISEASE, CHRONIC NEURONOPATHIC TYPE; GAUCHER DISEASE, JUVENILE AND ADULT, CEREBRAL; GAUCHER DISEASE, SUBACUTE NEURONOPATHIC TYPE; GD III. Identifiers: Orphanet 355, Orphanet 77261, MedGen C0268251, MONDO:0009267, OMIM 231000.
Gaucher disease-ophthalmoplegia-cardiovascular calcification syndrome. Also called: GAUCHER DISEASE, TYPE IIIC. Identifiers: Orphanet 2072, MedGen C1856476, MONDO:0009268, OMIM 231005.
Lewy body dementia (DLB). Also called: Lewy Body Disease. Identifiers: MedGen C0752347, MONDO:0007488, OMIM 127750.
Gaucher disease perinatal lethal. Also called: Gaucher disease collodion type; Gaucher Disease, Perinatal-Lethal Form. Identifiers: Orphanet 85212, MedGen C1842704, MONDO:0011945, OMIM 608013.
Gaucher disease. Also called: Acute cerebral Gaucher disease; Cerebroside lipidosis syndrome; Gaucher splenomegaly; Sphingolipidosis 1; Glucocerebrosidosis; Glucosylceramidase deficiency. Identifiers: Orphanet 355, MedGen C0017205, MONDO:0018150.

Submissions (10):

Labcorp Genetics (formerly Invitae), Labcorp
Classification: Pathogenic. Last evaluated: 2025-12-15. Review status: criteria provided, single submitter. Criteria: Invitae Variant Classification Sherloc (09022015). Collection method: clinical testing. Allele origin: germline.
Comment: This sequence change creates a premature translational stop signal (p.Leu422Profs*4) in the GBA gene. It is expected to result in an absent or disrupted protein product. Loss-of-function variants in GBA are known to be pathogenic (PMID: 9153297, 10079102, 10796875, 11783951). The frequency data for this variant in the population databases (gnomAD) is considered unreliable due to the presence of homologous sequence, such as pseudogenes or paralogs, in the genome. This premature translational stop signal has been observed in individual(s) with Gaucher disease and/or Parkinson disease (PMID: 17395504, 20947659, 28727984). This variant is also known as c.1263_1317del. ClinVar contains an entry for this variant (Variation ID: 193611). For these reasons, this variant has been classified as Pathogenic.

ARUP Laboratories, Molecular Genetics and Genomics, ARUP Laboratories
Classification: Pathogenic. Last evaluated: 2025-07-22. Review status: criteria provided, single submitter. Criteria: ARUP Molecular Germline Variant Investigation Process 2024. Collection method: clinical testing. Allele origin: germline.
Comment: The GBA c.1263_1317del; p.Leu422ProfsTer4 variant (rs80356768, ClinVar Variation ID: 193611), also known as Recdel55, is reported in the literature in multiple individuals affected with Gaucher disease (Bjelobrk 2021, Tayebi 1996, Zampieri 2017). This deletion in exon 10 (exon 9 legacy) is the result of recombination between GBA and a GBA pseudogene (Tayebi 1996). This variant causes a frameshift by deleting 55 nucleotides, so it is predicted to result in a truncated protein or mRNA subject to nonsense-mediated decay. Based on available information, this variant is considered to be pathogenic. References: Bjelobrk M et al. Cardiopulmonary assessment of patients diagnosed with Gaucher's disease type I. Mol Genet Genomic Med. 2021 Aug;9(8):e1757. PMID: 34275192. Tayebi N et al. 55-base pair deletion in certain patients with Gaucher disease complicates screening for common Gaucher alleles. Am J Med Genet. 1996 Dec 18;66(3):316-9. PMID: 8985494. Zampieri S et al. GBA Analysis in Next-Generation Era: Pitfalls, Challenges, and Possible Solutions. J Mol Diagn. 2017 Sep;19(5):733-741. PMID: 28727984.

Revvity Omics, Revvity
Classification: Pathogenic. Last evaluated: 2024-12-11. Review status: criteria provided, single submitter. Criteria: ACMG Guidelines, 2015. Collection method: clinical testing. Allele origin: germline.

Fulgent Genetics
Classification: Pathogenic for Lewy body dementia; Parkinson disease, late-onset; Gaucher disease type I; Gaucher disease type II; Gaucher disease type III; Gaucher disease-ophthalmoplegia-cardiovascular calcification syndrome; Gaucher disease perinatal lethal. Last evaluated: 2021-12-28. Review status: criteria provided, single submitter. Criteria: ACMG Guidelines, 2015. Collection method: clinical testing. Allele origin: unknown.

Women's Health and Genetics/Laboratory Corporation of America, LabCorp
Classification: Pathogenic for Gaucher disease. Last evaluated: 2016-05-19. Review status: criteria provided, single submitter. Criteria: LabCorp Variant Classification Summary - May 2015. Collection method: clinical testing. Allele origin: germline.
Comment: Variant summary: The c.1265_1319del55 variant in GBA involves the deletion of 55 nucleotides, resulting in a premature termination codon, predicted to cause a truncated or absent GBA protein due to nonsense mediated decay. This deletion in exon 10 (exon 9 legacy) is thought to be the result of recombination between GBA and GBAP (a GBA pseudogene). The frequency of the variant in the large and diverse ExAC database cannot be determined as the sequencing technology used typically cannot detect deletions this large. However, the variant has been tested in at least 788 controls in the literature and was not found. The variant was reported in the literature in numerous affected individuals, and has been classified by multiple reputable clinical labs/databases as pathogenic. Taken together, this variant has been classified as pathogenic.

Eurofins Ntd Llc (ga)
Classification: Pathogenic. Last evaluated: 2014-05-20. Review status: criteria provided, single submitter. Criteria: EGL Classification Definitions 2015. Collection method: clinical testing. Allele origin: germline. Observed: 3 variant alleles, 3 heterozygotes.

Natera, Inc.
Classification: Pathogenic for Gaucher disease. Last evaluated: 2017-08-17. Review status: no assertion criteria provided. Collection method: clinical testing. Allele origin: germline. Not counted in ClinVar's aggregate classification.

OMIM
Classification: Pathogenic for GAUCHER DISEASE, TYPE I. Last evaluated: 2000-03-01. Review status: no assertion criteria provided. Collection method: literature only. Allele origin: germline. Not counted in ClinVar's aggregate classification.

OMIM
Classification: Pathogenic for GAUCHER DISEASE, PERINATAL LETHAL. Last evaluated: 2000-03-01. Review status: no assertion criteria provided. Collection method: literature only. Allele origin: germline. Not counted in ClinVar's aggregate classification.

GeneReviews
No classification provided. Condition: Gaucher disease. Review status: no classification provided. Collection method: literature only. Allele origin: unknown. Not counted in ClinVar's aggregate classification.

Literature cited by the submitters: PubMed 9153297 (cited by Labcorp Genetics (formerly Invitae), Labcorp); PubMed 10079102 (cited by Labcorp Genetics (formerly Invitae), Labcorp); PubMed 10796875 (cited by Labcorp Genetics (formerly Invitae), Labcorp); PubMed 11783951 (cited by Labcorp Genetics (formerly Invitae), Labcorp); PubMed 17395504 (cited by Labcorp Genetics (formerly Invitae), Labcorp); PubMed 20947659 (cited by Labcorp Genetics (formerly Invitae), Labcorp and Women's Health and Genetics/Laboratory Corporation of America, LabCorp); PubMed 28727984 (cited by Labcorp Genetics (formerly Invitae), Labcorp); PubMed 8432537 (cited by Women's Health and Genetics/Laboratory Corporation of America, LabCorp and GeneReviews); PubMed 21704274 (cited by Women's Health and Genetics/Laboratory Corporation of America, LabCorp); PubMed 27008851 (cited by Women's Health and Genetics/Laboratory Corporation of America, LabCorp); PubMed 22234757 (cited by Women's Health and Genetics/Laboratory Corporation of America, LabCorp); PubMed 8516282 (cited by OMIM); PubMed 10685993 (cited by OMIM and GeneReviews); PubMed 20301446 (cited by GeneReviews); NCBI Bookshelf NBK1269 (cited by GeneReviews).